The following is an entry in ClinVar:

NM_004519.4(KCNQ3):c.1702A>G (p.Ile568Val)

Gene: KCNQ3 (potassium voltage-gated channel subfamily Q member 3; minus strand). Cytogenetic location: 8q24.22.
Variant type: single nucleotide variant.
Coding change: c.1702A>G on transcript NM_004519.4 (MANE Select); coding-DNA position 1702, A replaced by G.
Protein change: p.Ile568Val; replaces isoleucine 568 with valine.
Molecular consequence: missense variant.
Genome position (GRCh38, 1-based): chr8:132,134,387, T>C on the plus strand (A>G on the coding strand, the complement: KCNQ3 is on the minus strand). VCF-style: chr8-132134387-T-C. GRCh37 (hg19) VCF-style: chr8-133146634-T-C.
Other names: c.1702A>G (NM_004519.3); c.1342A>G, p.Ile448Val (NM_001204824.2); short protein forms I448V, I568V.
Identifiers: ClinVar variation 2085406 (VCV002085406.5), dbSNP rs777738568, ClinGen allele CA4880611.

ClinVar aggregate classification (germline): Uncertain significance. Review status: criteria provided, multiple submitters, no conflicts (2 of 4 stars). 2 submissions from 2 submitters: Uncertain significance (2). Last evaluated 2025-08-31.

Conditions:
Inborn genetic diseases. Identifiers: MedGen C0950123, MeSH D030342.
Benign neonatal seizures. Also called: Benign neonatal familial convulsions; Benign familial neonatal epilepsy; Benign familial neonatal seizures; Convulsions benign familial neonatal dominant form; Autosomal dominant form of benign neonatal seizures. Identifiers: Orphanet 1949, MedGen C0220669, MONDO:0016027.

Allele frequency attached by ClinVar (database versions not stated): gnomAD exomes below 0.00001; TOPMed 0.00001; ExAC 0.00002.
gnomAD v4.1: 2 of 1,603,370 alleles (0.00012%); highest among the groups gnomAD compares: Middle Eastern, 0.017%; no homozygotes.

Submissions (2):

Ambry Genetics
Classification: Uncertain significance for Inborn genetic diseases. Last evaluated: 2025-08-31. Review status: criteria provided, single submitter. Criteria: Ambry Variant Classification Scheme 2023. Collection method: clinical testing. Allele origin: germline.

Labcorp Genetics (formerly Invitae), Labcorp
Classification: Uncertain significance for Benign neonatal seizures. Last evaluated: 2023-08-04. Review status: criteria provided, single submitter. Criteria: Invitae Variant Classification Sherloc (09022015). Collection method: clinical testing. Allele origin: germline.
Comment: ClinVar contains an entry for this variant (Variation ID: 2085406). This sequence change replaces isoleucine, which is neutral and non-polar, with valine, which is neutral and non-polar, at codon 568 of the KCNQ3 protein (p.Ile568Val). This variant is present in population databases (rs777738568, gnomAD 0.0009%). This variant has not been reported in the literature in individuals affected with KCNQ3-related conditions. Algorithms developed to predict the effect of missense changes on protein structure and function output the following: SIFT: "Not Available"; PolyPhen-2: "Benign"; Align-GVGD: "Not Available". The valine amino acid residue is found in multiple mammalian species, which suggests that this missense change does not adversely affect protein function. In summary, the available evidence is currently insufficient to determine the role of this variant in disease. Therefore, it has been classified as a Variant of Uncertain Significance.